The following is an entry in ClinVar:

ClinVar aggregate classification (germline): Uncertain significance (1 of 4 stars; one submission).

Submission:

GeneDx
Classification: Uncertain significance. Last evaluated: 2023-11-07. Review status: criteria provided, single submitter. Criteria: GeneDx Variant Classification Process June 2021. Collection method: clinical testing. Allele origin: germline. Affected: yes.
Comment: Not observed at significant frequency in large population cohorts (gnomAD); In silico analysis supports that this missense variant has a deleterious effect on protein structure/function; Has not been previously published as pathogenic or benign to our knowledge

NM_001197104.2(KMT2A):c.9110C>A (p.Pro3037His)

Gene: KMT2A (lysine methyltransferase 2A; plus strand). Cytogenetic location: 11q23.3.
Variant type: single nucleotide variant.
Coding change: c.9110C>A on transcript NM_001197104.2 (MANE Select); coding-DNA position 9110, C replaced by A.
Protein change: p.Pro3037His; replaces proline 3037 with histidine.
Molecular consequence: missense variant.
Genome position (GRCh38, 1-based): chr11:118,505,002, C>A. VCF-style: chr11-118505002-C-A. GRCh37 (hg19) VCF-style: chr11-118375717-C-A.
Other names: c.9200C>A, p.Pro3067His (NM_001412597.1); c.9101C>A, p.Pro3034His (NM_005933.4); short protein forms P3034H, P3037H, P3067H.
Identifiers: ClinVar variation 3364003 (VCV003364003.1).
Genomic context (GRCh38, chr11:118,505,002, plus strand): 5'-AAGGTCATGGCAACAATCAGGATTTAACTAGGAACAGTAGCACCCCTGGCCTTCAGGTAC[C>A]TGTTTCCCCAACTGTTCCCATCCAGAACCAGAAGTATGTGCCCAATTCTACTGATAGTCC-3'
Protein context (NP_001184033.1, residues 3027-3047): RNSSTPGLQV[Pro3037His]VSPTVPIQNQ